The following is an entry in ClinVar:

NM_002474.3(MYH11):c.3766_3767delinsCT (p.Lys1256Leu)

Gene: MYH11 (myosin heavy chain 11; minus strand). Cytogenetic location: 16p13.11.
Variant type: Indel.
Coding change: c.3766_3767delinsCT on transcript NM_002474.3 (MANE Select); coding-DNA positions 3766 to 3767, AA replaced by CT.
Protein change: p.Lys1256Leu; replaces lysine 1256 with leucine.
Molecular consequence: missense variant.
Genome position (GRCh38, 1-based): chr16:15,726,939-15,726,940, TT replaced by AG on the plus strand (AA replaced by CT on the coding strand, the reverse complement: MYH11 is on the minus strand). VCF-style: chr16-15726939-TT-AG. GRCh37 (hg19) VCF-style: chr16-15820796-TT-AG.
Other names: c.3787_3788delinsCT, p.Lys1263Leu (NM_001040113.2, NM_001040114.2); c.3766_3767delinsCT, p.Lys1256Leu (NM_022844.3); short protein forms K1256L, K1263L.
Identifiers: ClinVar variation 3894163 (VCV003894163.1).

ClinVar aggregate classification (germline): Uncertain significance (1 of 4 stars; one submission).

Conditions:
Familial thoracic aortic aneurysm and aortic dissection (TAAD). Also called: Thoracic aortic aneurysms and dissections. Identifiers: Orphanet 91387, MedGen C4707243, MONDO:0019625.

Submission:

Color Diagnostics, LLC DBA Color Health
Classification: Uncertain significance for Familial thoracic aortic aneurysm and aortic dissection. Last evaluated: 2024-11-13. Review status: criteria provided, single submitter. Criteria: ACMG Guidelines, 2015. Collection method: clinical testing. Allele origin: germline.
Comment: This missense variant replaces lysine with leucine at codon 1263 of the MYH11 protein. To our knowledge, functional studies have not been reported for this variant. This variant has not been reported in individuals affected with MYH11-related disorders in the literature. This variant has not been identified in the general population by the Genome Aggregation Database (gnomAD). The available evidence is insufficient to determine the role of this variant in disease conclusively. Therefore, this variant is classified as a Variant of Uncertain Significance.